The following is an entry in ClinVar:

ClinVar aggregate classification (germline): Likely benign (1 of 4 stars; one submission).

Conditions:
SEMA3A-related disorder. Also called: SEMA3A-related condition.

gnomAD v4.1: 31 of 1,613,118 alleles (0.0019%); highest among the groups gnomAD compares: South Asian, 0.024%; no homozygotes.

Submission:

PreventionGenetics, part of Exact Sciences
Classification: Likely benign for SEMA3A-related condition. Last evaluated: 2026-09-17. Review status: criteria provided, single submitter. Criteria: ACMG Guidelines, 2015. Collection method: clinical testing. Allele origin: germline.
Comment: This variant is classified as likely benign based on ACMG/AMP sequence variant interpretation guidelines (Richards et al. 2015 PMID: 25741868, with internal and published modifications).

NM_006080.3(SEMA3A):c.63C>T (p.Asn21=)

Gene: SEMA3A (semaphorin 3A; minus strand). Cytogenetic location: 7q21.11.
Variant type: single nucleotide variant.
Coding change: c.63C>T on transcript NM_006080.3 (MANE Select); coding-DNA position 63, C replaced by T.
Protein change: p.Asn21=; no amino-acid change (asparagine 21 retained).
Molecular consequence: synonymous variant.
Genome position (GRCh38, 1-based): chr7:84,194,524, G>A on the plus strand (C>T on the coding strand, the complement: SEMA3A is on the minus strand). VCF-style: chr7-84194524-G-A. GRCh37 (hg19) VCF-style: chr7-83823840-G-A.
Identifiers: ClinVar variation 4977966 (VCV004977966.1).